The following is an entry in ClinVar:

NM_004336.5(BUB1):c.1220G>A (p.Cys407Tyr)

Gene: BUB1 (BUB1 mitotic checkpoint serine/threonine kinase; minus strand). Cytogenetic location: 2q13.
Variant type: single nucleotide variant.
Coding change: c.1220G>A on transcript NM_004336.5 (MANE Select); coding-DNA position 1220, G replaced by A.
Protein change: p.Cys407Tyr; replaces cysteine 407 with tyrosine.
Molecular consequence: missense variant.
Genome position (GRCh38, 1-based): chr2:110,660,034, C>T on the plus strand (G>A on the coding strand, the complement: BUB1 is on the minus strand). VCF-style: chr2-110660034-C-T. GRCh37 (hg19) VCF-style: chr2-111417611-C-T.
Other names: c.1160G>A, p.Cys387Tyr (NM_001278616.2); c.1220G>A, p.Cys407Tyr (NM_001278617.2); short protein forms C387Y, C407Y.
Identifiers: ClinVar variation 1752979 (VCV001752979.2), dbSNP rs2468013535, ClinGen allele CA348214151.
Genomic context (GRCh38, chr2:110,660,034, plus strand): 5'-TTACCTTCTTTGATCTCTGCTCCACTCTGTGGCTTGAATTCATGAGTACTCTTATTCACA[C>T]ATCTGGAAGAGAAAACTCTTGAGACACACTAGAGAATAAAATGCTTGATCTAGGCTGGGT-3'
Protein context (NP_004327.1, residues 397-417): MFAVASKDAG[Cys407Tyr]VNKSTHEFKP

ClinVar aggregate classification (germline): Uncertain significance (1 of 4 stars; one submission).

gnomAD v4.1: 1 of 1,610,836 alleles (0.000062%); highest among the groups gnomAD compares: Non-Finnish European, 0.000085%; no homozygotes.

Submission:

Ambry Genetics
Classification: Uncertain significance. Last evaluated: 2022-01-27. Review status: criteria provided, single submitter. Criteria: Ambry Variant Classification Scheme 2023. Collection method: clinical testing. Allele origin: germline.
Comment: The p.C407Y variant (also known as c.1220G>A), located in coding exon 11 of the BUB1 gene, results from a G to A substitution at nucleotide position 1220. The cysteine at codon 407 is replaced by tyrosine, an amino acid with highly dissimilar properties. This amino acid position is conserved. In addition, this alteration is predicted to be tolerated by in silico analysis. Since supporting evidence is limited at this time, the clinical significance of this alteration remains unclear.